The following is an entry in ClinVar:

ClinVar aggregate classification (germline): Uncertain significance. Review status: criteria provided, multiple submitters, no conflicts (2 of 4 stars). 4 submissions from 4 submitters: Uncertain significance (4). Last evaluated 2025-06-30.

Conditions:
Hereditary nonpolyposis colorectal neoplasms. Identifiers: MedGen C0009405, MeSH D003123.
Lynch syndrome. Identifiers: Orphanet 144, MedGen C4552100, MONDO:0005835. Disease mechanism: loss of function.
Hereditary cancer-predisposing syndrome. Also called: Hereditary Cancer Syndrome; Neoplastic Syndromes, Hereditary; Tumor predisposition; Hereditary neoplastic syndrome. Identifiers: Orphanet 140162, MedGen C0027672, MeSH D009386, MONDO:0015356.

Submissions (4):

Color Diagnostics, LLC DBA Color Health
Classification: Uncertain significance for Hereditary cancer-predisposing syndrome. Last evaluated: 2025-06-30. Review status: criteria provided, single submitter. Criteria: ACMG Guidelines, 2015. Collection method: clinical testing. Allele origin: germline.
Comment: This missense variant replaces lysine with glutamic acid at codon 866 of the MSH6 protein. Computational prediction is inconclusive regarding the impact of this variant on protein structure and function. To our knowledge, functional studies have not been reported for this variant. This variant has not been reported in individuals affected with MSH6-related disorders in the literature. This variant has not been identified in the general population by the Genome Aggregation Database (gnomAD). The available evidence is insufficient to determine the role of this variant in disease conclusively. Therefore, this variant is classified as a Variant of Uncertain Significance.

Labcorp Genetics (formerly Invitae), Labcorp
Classification: Uncertain significance for Hereditary nonpolyposis colorectal neoplasms. Last evaluated: 2024-08-04. Review status: criteria provided, single submitter. Criteria: Invitae Variant Classification Sherloc (09022015). Collection method: clinical testing. Allele origin: germline.
Comment: This sequence change replaces lysine, which is basic and polar, with glutamic acid, which is acidic and polar, at codon 866 of the MSH6 protein (p.Lys866Glu). This variant is not present in population databases (gnomAD no frequency). This variant has not been reported in the literature in individuals affected with MSH6-related conditions. ClinVar contains an entry for this variant (Variation ID: 479962). Advanced modeling of protein sequence and biophysical properties (such as structural, functional, and spatial information, amino acid conservation, physicochemical variation, residue mobility, and thermodynamic stability) performed at Invitae indicates that this missense variant is not expected to disrupt MSH6 protein function with a negative predictive value of 95%. In summary, the available evidence is currently insufficient to determine the role of this variant in disease. Therefore, it has been classified as a Variant of Uncertain Significance.

All of Us Research Program, National Institutes of Health
Classification: Uncertain significance for Lynch syndrome. Last evaluated: 2023-02-24. Review status: criteria provided, single submitter. Criteria: ACMG Guidelines, 2015. Collection method: clinical testing. Allele origin: germline. Inheritance: Autosomal dominant inheritance. Observed: 1 variant allele, 1 heterozygote.
Comment: This missense variant replaces lysine with glutamic acid at codon 866 of the MSH6 protein. Computational prediction is inconclusive regarding the impact of this variant on protein structure and function (internally defined REVEL score threshold 0.5 < inconclusive < 0.7, PMID: 27666373). To our knowledge, functional studies have not been reported for this variant. This variant has not been reported in individuals affected with MSH6-related disorders in the literature. This variant has not been identified in the general population by the Genome Aggregation Database (gnomAD). The available evidence is insufficient to determine the role of this variant in disease conclusively. Therefore, this variant is classified as a Variant of Uncertain Significance.

This study involves interpretation of variants in research participants for the purpose of population health screening. Participant phenotype was not available at the time of variant classification. Additional details can be found in publication PMID: 35346344, PMCID: PMC8962531

Ambry Genetics
Classification: Uncertain significance for Hereditary cancer-predisposing syndrome. Last evaluated: 2017-04-20. Review status: criteria provided, single submitter. Criteria: Ambry Variant Classification Scheme 2023. Collection method: clinical testing. Allele origin: germline.
Comment: The p.K866E variant (also known as c.2596A>G), located in coding exon 4 of the MSH6 gene, results from an A to G substitution at nucleotide position 2596. The lysine at codon 866 is replaced by glutamic acid, an amino acid with similar properties. This amino acid position is highly conserved in available vertebrate species. In addition, this alteration is predicted to be deleterious by in silico analysis. In addition, the CoDP in silico tool predicts this alteration to have minor impact on molecular function, with a score of 0.002 (Terui H et al. J. Biomed. Sci. 2013 Apr;20:25). Since supporting evidence is limited at this time, the clinical significance of this alteration remains unclear.

NM_000179.3(MSH6):c.2596A>G (p.Lys866Glu)

Gene: MSH6 (mutS homolog 6; plus strand). Cytogenetic location: 2p16.3.
Variant type: single nucleotide variant.
Coding change: c.2596A>G on transcript NM_000179.3 (MANE Select); coding-DNA position 2596, A replaced by G.
Protein change: p.Lys866Glu; replaces lysine 866 with glutamic acid.
Molecular consequence: missense variant.
Genome position (GRCh38, 1-based): chr2:47,800,579, A>G. VCF-style: chr2-47800579-A-G. GRCh37 (hg19) VCF-style: chr2-48027718-A-G.
Other names: c.2206A>G, p.Lys736Glu (NM_001281492.2); c.1690A>G, p.Lys564Glu (NM_001281493.2, NM_001281494.2); short protein forms K866E, K564E, K736E.
Identifiers: ClinVar variation 479962 (VCV000479962.15), dbSNP rs1553413941, ClinGen allele CA346754894.
Genomic context (GRCh38, chr2:47,800,579, plus strand): 5'-GAAGAAACTACATACAGCAAGAAGAAGATTATTGATTTTCTTTCTGCTCTGGAAGGATTC[A>G]AAGTAATGTGTAAAATTATAGGGATCATGGAAGAAGTTGCTGATGGTTTTAAGTCTAAAA-3'
Protein context (NP_000170.1, residues 856-876): IDFLSALEGF[Lys866Glu]VMCKIIGIME